The following is an entry in ClinVar:

NM_001009944.3(PKD1):c.52T>C (p.Trp18Arg)

Gene: PKD1 (polycystin 1, transient receptor potential channel interacting; minus strand). Cytogenetic location: 16p13.3.
Variant type: single nucleotide variant.
Coding change: c.52T>C on transcript NM_001009944.3 (MANE Select); coding-DNA position 52, T replaced by C.
Protein change: p.Trp18Arg; replaces tryptophan 18 with arginine.
Molecular consequence: missense variant.
Genome position (GRCh38, 1-based): chr16:2,135,638, A>G on the plus strand (T>C on the coding strand, the complement: PKD1 is on the minus strand). VCF-style: chr16-2135638-A-G. GRCh37 (hg19) VCF-style: chr16-2185639-A-G.
Other names: c.52T>C, p.Trp18Arg (NM_000296.4); short protein forms W18R.
Identifiers: ClinVar variation 3342288 (VCV003342288.2).

ClinVar aggregate classification (germline): Uncertain significance. Review status: criteria provided, multiple submitters, no conflicts (2 of 4 stars). 2 submissions from 2 submitters: Uncertain significance (2). Last evaluated 2024-09-05.

Conditions:
Polycystic kidney disease, adult type (PKD1). Also called: Polycystic Kidney, Autosomal Dominant; POLYCYSTIC KIDNEY DISEASE 1 WITH OR WITHOUT POLYCYSTIC LIVER DISEASE; POLYCYSTIC KIDNEY DISEASE, ADULT, TYPE I; Polycystic Kidney Disease 1, Autosomal Dominant; Polycystic kidney disease 1; Polycystic kidney disease 1, severe. Identifiers: MedGen C3149841, MONDO:0008263, OMIM 173900.

Submissions (2):

MVZ Medizinische Genetik Mainz
Classification: Uncertain significance for Polycystic kidney disease, adult type. Last evaluated: 2024-09-05. Review status: criteria provided, single submitter. Criteria: UK Practice Guidelines For Variant Classification V4 01 2020. Collection method: clinical testing. Allele origin: germline. Inheritance: Autosomal dominant inheritance. Affected: yes. Observed: 1 variant allele.
Comment: ACMG Criteria: PM2_SUP,PP4,BP4_MOD

Department of Pathology and Laboratory Medicine, Sinai Health System
Classification: Uncertain significance for Polycystic kidney disease, adult type. Last evaluated: 2019-12-06. Review status: criteria provided, single submitter. Criteria: ACMG Guidelines, 2015. Collection method: clinical testing. Allele origin: germline. Affected: yes.